The following is an entry in ClinVar:

NM_005869.4(CWC27):c.676A>T (p.Lys226Ter)

Gene: CWC27 (CWC27 spliceosome associated cyclophilin; plus strand). Cytogenetic location: 5q12.3.
Variant type: single nucleotide variant.
Coding change: c.676A>T on transcript NM_005869.4 (MANE Select); coding-DNA position 676, A replaced by T.
Protein change: p.Lys226Ter; replaces lysine 226 with a stop codon.
Molecular consequence: nonsense.
Genome position (GRCh38, 1-based): chr5:64,800,254, A>T. VCF-style: chr5-64800254-A-T. GRCh37 (hg19) VCF-style: chr5-64096081-A-T.
Other names: c.676A>T, p.Lys226Ter (NM_001297644.1, NM_001297645.2, NM_001318000.2 and 1 more transcripts); short protein forms K226*.
Identifiers: ClinVar variation 3720904 (VCV003720904.2).

ClinVar aggregate classification (germline): Pathogenic (1 of 4 stars; one submission).

gnomAD v4.1: 4 of 1,609,072 alleles (0.00025%); highest among the groups gnomAD compares: Non-Finnish European, 0.00026%; no homozygotes.

Submission:

Labcorp Genetics (formerly Invitae), Labcorp
Classification: Pathogenic. Last evaluated: 2024-07-12. Review status: criteria provided, single submitter. Criteria: Invitae Variant Classification Sherloc (09022015). Collection method: clinical testing. Allele origin: germline.
Comment: This sequence change creates a premature translational stop signal (p.Lys226*) in the CWC27 gene. It is expected to result in an absent or disrupted protein product. Loss-of-function variants in CWC27 are known to be pathogenic (PMID: 28285769). This variant is present in population databases (rs759380273, gnomAD 0.003%). This variant has not been reported in the literature in individuals affected with CWC27-related conditions. Algorithms developed to predict the effect of sequence changes on RNA splicing suggest that this variant may disrupt the consensus splice site. For these reasons, this variant has been classified as Pathogenic.

Literature cited by the submitters: PubMed 28285769.